The following is an entry in ClinVar:

NM_024809.5(TCTN2):c.1430C>T (p.Pro477Leu)

Gene: TCTN2 (tectonic family member 2; plus strand). Cytogenetic location: 12q24.31.
Variant type: single nucleotide variant.
Coding change: c.1430C>T on transcript NM_024809.5 (MANE Select); coding-DNA position 1430, C replaced by T.
Protein change: p.Pro477Leu; replaces proline 477 with leucine.
Molecular consequence: missense variant.
Genome position (GRCh38, 1-based): chr12:123,697,123, C>T. VCF-style: chr12-123697123-C-T. GRCh37 (hg19) VCF-style: chr12-124181670-C-T.
Other names: c.1427C>T, p.Pro476Leu (NM_001143850.3); short protein forms P477L, P476L.
Identifiers: ClinVar variation 1365842 (VCV001365842.5), dbSNP rs749989620, ClinGen allele CA245166423.

ClinVar aggregate classification (germline): Uncertain significance (1 of 4 stars; one submission).

Conditions:
Joubert syndrome. Also called: CEREBELLOPARENCHYMAL DISORDER IV; JOUBERT-BOLTSHAUSER SYNDROME; Familial aplasia of the vermis. Identifiers: Orphanet 475, MedGen C5979921, MONDO:0018772.
Meckel-Gruber syndrome. Also called: DYSENCEPHALIA SPLANCHNOCYSTICA; GRUBER SYNDROME; Dysencephalia splachnocystica. Identifiers: Orphanet 564, MedGen C0265215, MONDO:0018921.

Allele frequency attached by ClinVar (database versions not stated): gnomAD 0.00001; gnomAD exomes 0.00001.
gnomAD v4.1: 12 of 1,613,850 alleles (0.00074%); highest among the groups gnomAD compares: African/African-American, 0.0013%; no homozygotes.

Submission:

Labcorp Genetics (formerly Invitae), Labcorp
Classification: Uncertain significance for Joubert syndrome; Meckel-Gruber syndrome. Last evaluated: 2022-02-24. Review status: criteria provided, single submitter. Criteria: Invitae Variant Classification Sherloc (09022015). Collection method: clinical testing. Allele origin: germline.
Comment: Algorithms developed to predict the effect of missense changes on protein structure and function (SIFT, PolyPhen-2, Align-GVGD) all suggest that this variant is likely to be disruptive. This sequence change replaces proline, which is neutral and non-polar, with leucine, which is neutral and non-polar, at codon 477 of the TCTN2 protein (p.Pro477Leu). This variant is present in population databases (rs749989620, gnomAD 0.01%). This variant has not been reported in the literature in individuals affected with TCTN2-related conditions. In summary, the available evidence is currently insufficient to determine the role of this variant in disease. Therefore, it has been classified as a Variant of Uncertain Significance.